The following is an entry in ClinVar:

ClinVar aggregate classification (germline): Pathogenic. Review status: criteria provided, multiple submitters, no conflicts (2 of 4 stars). 3 submissions from 3 submitters: Pathogenic (3). Last evaluated 2024-10-11.

Conditions:
Blepharocheilodontic syndrome 2 (BCDS2). Identifiers: MedGen C4540127, MONDO:0040503, OMIM 617681.

Submissions (3):

Victorian Clinical Genetics Services, Murdoch Childrens Research Institute
Classification: Pathogenic for Blepharocheilodontic syndrome 2. Last evaluated: 2024-10-11. Review status: criteria provided, single submitter. Criteria: ACMG Guidelines, 2015. Collection method: clinical testing. Allele origin: germline. Inheritance: Autosomal dominant inheritance. Affected: yes.
Comment: Based on the classification scheme VCGS_Germline_v1.3.5, this variant is classified as Pathogenic. Following criteria are met: 0102 - Loss of function is a known mechanism of disease in this gene and is associated with blepharocheilodontic syndrome 2 (MIM#617681). (I) 0107 - This gene is associated with autosomal dominant disease. (I) 0201 - Variant is predicted to cause nonsense-mediated decay (NMD) and loss of protein (premature termination codon is located at least 54 nucleotides upstream of the final exon-exon junction). (SP) 0251 - This variant is heterozygous. (I) 0301 - Variant is absent from gnomAD (v2, v3 and v4). (SP) 0701 - Other NMD-predicted variants comparable to the one identified in this case have very strong previous evidence for pathogenicity (DECIPHER). (SP) 0801 - This variant has strong previous evidence of pathogenicity in unrelated individuals. This variant has been identified in multiple individuals, including two de novo individuals, with CTNND1-related features, including heart defects and skeletal abnormalities (ClinVar, PMIDs: 32196547, 37589029). (SP) Legend: (SP) - Supporting pathogenic, (I) - Information, (SB) - Supporting benign

GeneDx
Classification: Pathogenic. Last evaluated: 2022-12-14. Review status: criteria provided, single submitter. Criteria: GeneDx Variant Classification Process June 2021. Collection method: clinical testing. Allele origin: germline. Affected: yes.
Comment: Nonsense variant predicted to result in protein truncation or nonsense mediated decay in a gene for which loss of function is a known mechanism of disease; Not observed at significant frequency in large population cohorts (gnomAD); This variant is associated with the following publications: (PMID: 28135719, 31785789, 32196547, 35205020)

Juno Genomics, Hangzhou Juno Genomics, Inc
Classification: Pathogenic for Blepharocheilodontic syndrome 2. Review status: criteria provided, single submitter. Criteria: ACMG Guidelines, 2015. Collection method: clinical testing. Allele origin: germline. Affected: yes.
Comment: Absent from controls (or at extremely low frequency if recessive) in Genome Aggregation Database, Exome Sequencing Project, 1000 Genomes Project, or Exome Aggregation Consortium.;Null variant in a gene where loss of function (LOF) is a known mechanism of disease.;The prevalence of the variant in affected individuals is significantly increased compared to the prevalence in controls.;Assumed de novo, but without confirmation of paternity and maternity.

Literature cited by the submitters: PubMed 32196547 (cited by Victorian Clinical Genetics Services, Murdoch Childrens Research Institute); PubMed 37589029 (cited by Victorian Clinical Genetics Services, Murdoch Childrens Research Institute).

NM_001085458.2(CTNND1):c.1381C>T (p.Arg461Ter)

Genes: TMX2-CTNND1 (TMX2-CTNND1 readthrough (NMD candidate); plus strand), CTNND1 (catenin delta 1; plus strand). Cytogenetic location: 11q12.1.
Variant type: single nucleotide variant.
Coding change: c.1381C>T on transcript NM_001085458.2 (MANE Select); coding-DNA position 1381, C replaced by T.
Protein change: p.Arg461Ter; replaces arginine 461 with a stop codon.
Molecular consequence: nonsense. On other transcripts: non-coding transcript variant (1).
Genome position (GRCh38, 1-based): chr11:57,802,157, C>T. VCF-style: chr11-57802157-C-T. GRCh37 (hg19) VCF-style: chr11-57569629-C-T.
Other names: c.1219C>T, p.Arg407Ter (NM_001206886.2, NM_001206887.2, NM_001206888.2 and 4 more transcripts); c.1078C>T, p.Arg360Ter (NM_001206890.2, NM_001085463.2, NM_001085464.2 and 5 more transcripts); c.1381C>T, p.Arg461Ter (NM_001331.3, NM_001085459.2, NM_001085460.2 and 3 more transcripts); c.1381C>T (NM_001085458.1); short protein forms R360*, R407*, R461*.
Identifiers: ClinVar variation 2505972 (VCV002505972.4), dbSNP rs2137126246, ClinGen allele CA380726635.
Genomic context (GRCh38, chr11:57,802,157, plus strand): 5'-CAGGATAACAAGATTGCCATAAAAAACTGTGATGGTGTGCCTGCCCTTGTGCGATTGCTT[C>T]GAAAGGCTCGTGATATGGACCTTACTGAAGTTATTACCGGTGAGTTCTAGGCCTAAGGAA-3'